The following is an entry in ClinVar:

NM_002637.4(PHKA1):c.2369+12A>G

Gene: PHKA1 (phosphorylase kinase regulatory subunit alpha 1; minus strand). Cytogenetic location: Xq13.1.
Variant type: single nucleotide variant.
Coding change: c.2369+12A>G on transcript NM_002637.4 (MANE Select); 12 bases into the intron after coding-DNA position 2369, A replaced by G.
Molecular consequence: intron variant.
Genome position (GRCh38, 1-based): chrX:72,618,698, T>C on the plus strand (A>G on the coding strand, the complement: PHKA1 is on the minus strand). VCF-style: chrX-72618698-T-C. GRCh37 (hg19) VCF-style: chrX-71838548-T-C.
Other names: c.2192+12A>G (NM_001172436.2); c.2369+12A>G (NM_001122670.2).
Identifiers: ClinVar variation 1972249 (VCV001972249.5), dbSNP rs1556272547, ClinGen allele CA642475176.

ClinVar aggregate classification (germline): Uncertain significance (1 of 4 stars; one submission).

Conditions:
Glycogen storage disease IXd (GSD9D). Also called: Muscle Phosphorylase Kinase Deficiency; GSD IXd. Identifiers: Orphanet 715, MedGen C1845151, MONDO:0010362, OMIM 300559.

Allele frequency attached by ClinVar (database versions not stated): gnomAD exomes below 0.00001.
gnomAD v4.1: 3 of 1,167,905 alleles (0.00026%); highest among the groups gnomAD compares: Admixed American, 0.0065%; no homozygotes.

Submission:

Labcorp Genetics (formerly Invitae), Labcorp
Classification: Uncertain significance for Glycogen storage disease IXd. Last evaluated: 2022-08-15. Review status: criteria provided, single submitter. Criteria: Invitae Variant Classification Sherloc (09022015). Collection method: clinical testing. Allele origin: germline.
Comment: In summary, the available evidence is currently insufficient to determine the role of this variant in disease. Therefore, it has been classified as a Variant of Uncertain Significance. Algorithms developed to predict the effect of sequence changes on RNA splicing suggest that this variant may create or strengthen a splice site. This variant has not been reported in the literature in individuals affected with PHKA1-related conditions. This variant is present in population databases (no rsID available, gnomAD 0.004%). This sequence change falls in intron 21 of the PHKA1 gene. It does not directly change the encoded amino acid sequence of the PHKA1 protein.